The following is an entry in ClinVar:

ClinVar aggregate classification (germline): Uncertain significance (1 of 4 stars; one submission).

Conditions:
Hereditary cancer-predisposing syndrome. Also called: Neoplastic Syndromes, Hereditary; Tumor predisposition; Hereditary Cancer Syndrome; Hereditary neoplastic syndrome. Identifiers: Orphanet 140162, MedGen C0027672, MeSH D009386, MONDO:0015356.

Submission:

Ambry Genetics
Classification: Uncertain significance for Hereditary cancer-predisposing syndrome. Last evaluated: 2019-01-14. Review status: criteria provided, single submitter. Criteria: Ambry Variant Classification Scheme 2023. Collection method: clinical testing. Allele origin: germline.
Comment: The p.I780M variant (also known as c.2340A>G), located in coding exon 15 of the BRIP1 gene, results from an A to G substitution at nucleotide position 2340. The isoleucine at codon 780 is replaced by methionine, an amino acid with highly similar properties. This amino acid position is well conserved in available vertebrate species. In addition, the in silico prediction for this alteration is inconclusive. Since supporting evidence is limited at this time, the clinical significance of this alteration remains unclear.

NM_032043.3(BRIP1):c.2340A>G (p.Ile780Met)

Gene: BRIP1 (BRCA1 interacting DNA helicase 1; minus strand). Cytogenetic location: 17q23.2.
Variant type: single nucleotide variant.
Coding change: c.2340A>G on transcript NM_032043.3 (MANE Select); coding-DNA position 2340, A replaced by G.
Protein change: p.Ile780Met; replaces isoleucine 780 with methionine.
Molecular consequence: missense variant.
Genome position (GRCh38, 1-based): chr17:61,743,052, T>C on the plus strand (A>G on the coding strand, the complement: BRIP1 is on the minus strand). VCF-style: chr17-61743052-T-C. GRCh37 (hg19) VCF-style: chr17-59820413-T-C.
Other names: short protein forms I780M.
Identifiers: ClinVar variation 821126 (VCV000821126.4), dbSNP rs1603303793, ClinGen allele CA400482601.